The following is an entry in ClinVar:

NM_000038.6(APC):c.6906A>C (p.Ser2302=)

Gene: APC (APC regulator of Wnt signaling pathway; plus strand). Cytogenetic location: 5q22.2.
Variant type: single nucleotide variant.
Coding change: c.6906A>C on transcript NM_000038.6 (MANE Select); coding-DNA position 6906, A replaced by C.
Protein change: p.Ser2302=; no amino-acid change (serine 2302 retained).
Molecular consequence: synonymous variant.
Genome position (GRCh38, 1-based): chr5:112,842,500, A>C. VCF-style: chr5-112842500-A-C. GRCh37 (hg19) VCF-style: chr5-112178197-A-C.
Other names: c.6906A>C, p.Ser2302= (NM_001127510.3, NM_001354895.2); c.6852A>C, p.Ser2284= (NM_001127511.3); c.6960A>C, p.Ser2320= (NM_001354896.2); c.6936A>C, p.Ser2312= (NM_001354897.2); c.6831A>C, p.Ser2277= (NM_001354898.2); c.6822A>C, p.Ser2274= (NM_001354899.2); c.6783A>C, p.Ser2261= (NM_001354900.2); c.6729A>C, p.Ser2243= (NM_001354901.2); and 5 more.
Identifiers: ClinVar variation 925770 (VCV000925770.29), dbSNP rs1766330352, ClinGen allele CA446210461.

ClinVar aggregate classification (germline): Likely benign. Review status: criteria provided, multiple submitters, no conflicts (2 of 4 stars). 3 submissions from 3 submitters: Likely benign (3). Last evaluated 2023-07-01.

Conditions:
Hereditary cancer-predisposing syndrome. Also called: Neoplastic Syndromes, Hereditary; Tumor predisposition; Hereditary neoplastic syndrome; Hereditary Cancer Syndrome. Identifiers: Orphanet 140162, MedGen C0027672, MeSH D009386, MONDO:0015356.

Submissions (3):

CeGaT Center for Human Genetics Tuebingen
Classification: Likely benign. Last evaluated: 2023-07-01. Review status: criteria provided, single submitter. Criteria: CeGaT Center For Human Genetics Tuebingen Variant Classification Criteria Version 2. Collection method: clinical testing. Allele origin: germline. Affected: yes. Observed: 1 variant allele.
Comment: APC: PM2:Supporting, BP4, BP7

Ambry Genetics
Classification: Likely benign for Hereditary cancer-predisposing syndrome. Last evaluated: 2022-03-01. Review status: criteria provided, single submitter. Criteria: Ambry Variant Classification Scheme 2023. Collection method: clinical testing. Allele origin: germline.

Color Diagnostics, LLC DBA Color Health
Classification: Likely benign for Hereditary cancer-predisposing syndrome. Last evaluated: 2016-03-25. Review status: criteria provided, single submitter. Criteria: ACMG Guidelines, 2015. Collection method: clinical testing. Allele origin: germline.